The following is an entry in ClinVar:

ClinVar aggregate classification (germline): Uncertain significance (1 of 4 stars; one submission).

Conditions:
Ataxia-telangiectasia syndrome (AT). Also called: Ataxia-telangiectasia, complementation group D; AT, COMPLEMENTATION GROUP C; ATAXIA-TELANGIECTASIA, COMPLEMENTATION GROUP A; ATAXIA-TELANGIECTASIA, FRESNO VARIANT; Ataxia-telangiectasia; Cerebello-oculocutaneous telangiectasia. Identifiers: Orphanet 100, MedGen C0004135, MONDO:0008840, OMIM 208900.

Submission:

Labcorp Genetics (formerly Invitae), Labcorp
Classification: Uncertain significance for Ataxia-telangiectasia syndrome. Last evaluated: 2020-05-25. Review status: criteria provided, single submitter. Criteria: Invitae Variant Classification Sherloc (09022015). Collection method: clinical testing. Allele origin: germline.
Comment: This variant has not been reported in the literature in individuals with ATM-related conditions. This variant is not present in population databases (ExAC no frequency). This sequence change replaces asparagine with serine at codon 883 of the ATM protein (p.Asn883Ser). The asparagine residue is weakly conserved and there is a small physicochemical difference between asparagine and serine. Algorithms developed to predict the effect of missense changes on protein structure and function output the following: SIFT: "Tolerated"; PolyPhen-2: "Benign"; Align-GVGD: "Class C0". The serine amino acid residue is found in multiple mammalian species, suggesting that this missense change does not adversely affect protein function. These predictions have not been confirmed by published functional studies and their clinical significance is uncertain. In summary, the available evidence is currently insufficient to determine the role of this variant in disease. Therefore, it has been classified as a Variant of Uncertain Significance.

NM_000051.4(ATM):c.2648A>G (p.Asn883Ser)

Gene: ATM (ATM serine/threonine kinase; plus strand). Cytogenetic location: 11q22.3.
Variant type: single nucleotide variant.
Coding change: c.2648A>G on transcript NM_000051.4 (MANE Select); coding-DNA position 2648, A replaced by G.
Protein change: p.Asn883Ser; replaces asparagine 883 with serine.
Molecular consequence: missense variant.
Genome position (GRCh38, 1-based): chr11:108,268,419, A>G. VCF-style: chr11-108268419-A-G. GRCh37 (hg19) VCF-style: chr11-108139146-A-G.
Other names: c.2648A>G, p.Asn883Ser (NM_001351834.2); short protein forms N883S.
Identifiers: ClinVar variation 1003724 (VCV001003724.8), dbSNP rs2081380347, ClinGen allele CA382545011.